The following is an entry in ClinVar:

NM_177438.3(DICER1):c.483T>A (p.Asn161Lys)

Gene: DICER1 (dicer 1, ribonuclease III; minus strand). Cytogenetic location: 14q32.13.
Variant type: single nucleotide variant.
Coding change: c.483T>A on transcript NM_177438.3 (MANE Select); coding-DNA position 483, T replaced by A.
Protein change: p.Asn161Lys; replaces asparagine 161 with lysine.
Molecular consequence: missense variant. On other transcripts: 5 prime UTR variant (1), non-coding transcript variant (6), intron variant (1).
Genome position (GRCh38, 1-based): chr14:95,130,148, A>T on the plus strand (T>A on the coding strand, the complement: DICER1 is on the minus strand). VCF-style: chr14-95130148-A-T. GRCh37 (hg19) VCF-style: chr14-95596485-A-T.
Other names: c.483T>A, p.Asn161Lys (NM_001195573.1, NM_001271282.3, NM_001291628.2 and 14 more transcripts); c.201T>A, p.Asn67Lys (NM_001395686.1); c.78T>A, p.Asn26Lys (NM_001395687.1, NM_001395688.1, NM_001395689.1 and 3 more transcripts); c.-1086T>A (NM_001395697.1); c.-20-65T>A (NM_001395691.1); short protein forms N26K, N67K, N161K.
Identifiers: ClinVar variation 4746801 (VCV004746801.1).
Genomic context (GRCh38, chr14:95,130,148, plus strand): 5'-GATTGCAAGATGACACTCATCAAACACCAAAAGGTTAATGTCTGACAGTGATAAGTAACC[A>T]TTTTTCAAAACATTCAAGGCGACATAGCAAGTCATAATGAGAACCTAAAATAAAATCAAC-3'
Protein context (NP_803187.1, residues 151-171): TCYVALNVLK[Asn161Lys]GYLSLSDINL

ClinVar aggregate classification (germline): Uncertain significance (1 of 4 stars; one submission).

Conditions:
DICER1-related tumor predisposition. Also called: DICER1-related pleuropulmonary blastoma cancer predisposition syndrome; DICER1 syndrome. Identifiers: Orphanet 284343, MedGen C3839822, MONDO:0100216.

Submission:

Labcorp Genetics (formerly Invitae), Labcorp
Classification: Uncertain significance for DICER1-related tumor predisposition. Last evaluated: 2025-10-29. Review status: criteria provided, single submitter. Criteria: Invitae Variant Classification Sherloc (09022015). Collection method: clinical testing. Allele origin: germline.
Comment: This sequence change replaces asparagine, which is neutral and polar, with lysine, which is basic and polar, at codon 161 of the DICER1 protein (p.Asn161Lys). This variant is not present in population databases (gnomAD no frequency). This variant has not been reported in the literature in individuals affected with DICER1-related conditions. Invitae Evidence Modeling of protein sequence and biophysical properties (such as structural, functional, and spatial information, amino acid conservation, physicochemical variation, residue mobility, and thermodynamic stability) indicates that this missense variant is not expected to disrupt DICER1 protein function with a negative predictive value of 95%. In summary, the available evidence is currently insufficient to determine the role of this variant in disease. Therefore, it has been classified as a Variant of Uncertain Significance.